The following is an entry in ClinVar:

ClinVar aggregate classification (germline): Likely benign (0 of 4 stars; one submission).

Conditions:
CUL9-related disorder. Also called: CUL9-related condition.

Allele frequency attached by ClinVar (database versions not stated): ExAC 0.00007; gnomAD 0.00011; TOPMed 0.00013; ESP Exome Variant Server 0.00015; 1000 Genomes Project 0.00040; 1000 Genomes Project 30x 0.00047.
gnomAD v4.1: 35 of 1,613,346 alleles (0.0022%); highest among the groups gnomAD compares: African/African-American, 0.041%; no homozygotes.

Submission:

PreventionGenetics, part of Exact Sciences
Classification: Likely benign for CUL9-related condition. Last evaluated: 2019-07-29. Review status: no assertion criteria provided. Collection method: clinical testing. Allele origin: germline.
Comment: This variant is classified as likely benign based on ACMG/AMP sequence variant interpretation guidelines (Richards et al. 2015 PMID: 25741868, with internal and published modifications).

NM_015089.4(CUL9):c.508C>T (p.Leu170=)

Gene: CUL9 (cullin 9; plus strand). Cytogenetic location: 6p21.1.
Variant type: single nucleotide variant.
Coding change: c.508C>T on transcript NM_015089.4 (MANE Select); coding-DNA position 508, C replaced by T.
Protein change: p.Leu170=; no amino-acid change (leucine 170 retained).
Molecular consequence: synonymous variant.
Genome position (GRCh38, 1-based): chr6:43,184,818, C>T. VCF-style: chr6-43184818-C-T. GRCh37 (hg19) VCF-style: chr6-43152556-C-T.
Identifiers: ClinVar variation 3034637 (VCV003034637.2), dbSNP rs189767161, ClinGen allele CA3817076.